The following is an entry in ClinVar:

ClinVar aggregate classification (germline): Uncertain significance (1 of 4 stars; one submission).

Submission:

Labcorp Genetics (formerly Invitae), Labcorp
Classification: Uncertain significance. Last evaluated: 2022-08-20. Review status: criteria provided, single submitter. Criteria: Invitae Variant Classification Sherloc (09022015). Collection method: clinical testing. Allele origin: unknown.
Comment: This variant has not been reported in the literature in individuals affected with CIB2-related conditions. A copy number gain of the genomic region encompassing the full coding sequence of the CIB2 gene has been identified. The boundaries of this event are unknown as they extend beyond the assayed region for this gene and therefore may encompass additional genes. As the precise location of this event is unknown, it may be in tandem or it may be located elsewhere in the genome. In summary, the available evidence is currently insufficient to determine the role of this variant in disease. Therefore, it has been classified as a Variant of Uncertain Significance.

NC_000015.9:g.(?_78397653)_(78461347_?)dup

Genes: CIB2 (calcium and integrin binding family member 2; minus strand), IDH3A (isocitrate dehydrogenase (NAD(+)) 3 catalytic subunit alpha; plus strand). Cytogenetic location: 15q25.1.
Variant type: Duplication.
Identifiers: ClinVar variation 3243879 (VCV003243879.1).